The following is an entry in ClinVar:

NM_000368.5(TSC1):c.2184T>C (p.Ala728=)

Gene: TSC1 (TSC complex subunit 1; minus strand). Cytogenetic location: 9q34.13.
Variant type: single nucleotide variant.
Coding change: c.2184T>C on transcript NM_000368.5 (MANE Select); coding-DNA position 2184, T replaced by C.
Protein change: p.Ala728=; no amino-acid change (alanine 728 retained).
Molecular consequence: synonymous variant. On other transcripts: non-coding transcript variant (4).
Genome position (GRCh38, 1-based): chr9:132,903,675, A>G on the plus strand (T>C on the coding strand, the complement: TSC1 is on the minus strand). VCF-style: chr9-132903675-A-G. GRCh37 (hg19) VCF-style: chr9-135779062-A-G.
Other names: c.2181T>C, p.Ala727= (NM_001162426.2, NM_001406597.1, NM_001406598.1 and 4 more transcripts); c.2031T>C, p.Ala677= (NM_001162427.2, NM_001406610.1); c.1821T>C, p.Ala607= (NM_001362177.2, NM_001406614.1, NM_001406615.1 and 5 more transcripts); c.2184T>C, p.Ala728= (NM_001406592.1, NM_001406593.1, NM_001406594.1 and 5 more transcripts); c.2169T>C, p.Ala723= (NM_001406601.1, NM_001406602.1); c.2166T>C, p.Ala722= (NM_001406603.1, NM_001406604.1); c.2028T>C, p.Ala676= (NM_001406611.1, NM_001406612.1, NM_001406613.1); c.1818T>C, p.Ala606= (NM_001406620.1, NM_001406621.1, NM_001406622.1 and 2 more transcripts); and 3 more.
Identifiers: ClinVar variation 3724150 (VCV003724150.3).

ClinVar aggregate classification (germline): Benign/Likely benign. Review status: criteria provided, multiple submitters, no conflicts (2 of 4 stars). 2 submissions from 2 submitters: Benign (1); Likely benign (1). Last evaluated 2025-04-24.

Conditions:
Tuberous sclerosis 1 (TSC1). Identifiers: Orphanet 805, MedGen C1854465, MONDO:0008612, OMIM 191100.

Submissions (2):

Myriad Genetics, Inc.
Classification: Benign for Tuberous sclerosis 1. Last evaluated: 2025-04-24. Review status: criteria provided, single submitter. Criteria: Myriad Autosomal Dominant, Autosomal Recessive and X-Linked Classification Criteria (2023). Collection method: clinical testing. Allele origin: unknown.
Comment: This variant is considered benign. This variant is a silent/synonymous amino acid change and it is not expected to impact splicing.

Labcorp Genetics (formerly Invitae), Labcorp
Classification: Likely benign for Tuberous sclerosis 1. Last evaluated: 2024-10-30. Review status: criteria provided, single submitter. Criteria: Invitae Variant Classification Sherloc (09022015). Collection method: clinical testing. Allele origin: germline.